The following is an entry in ClinVar:

NM_017662.5(TRPM6):c.1282_1283del (p.Ile428fs)

Gene: TRPM6 (transient receptor potential cation channel subfamily M member 6; minus strand). Cytogenetic location: 9q21.13.
Variant type: Microsatellite.
Coding change: c.1282_1283del on transcript NM_017662.5 (MANE Select); coding-DNA positions 1282 to 1283, 2 bases deleted (AT; older notation c.1282_1283delAT).
Protein change: p.Ile428fs; shifts the reading frame from isoleucine 428.
Molecular consequence: frameshift variant.
Genome position (GRCh38, 1-based): chr9:74,816,694-74,816,695, AT deleted on the plus strand (AT on the coding strand, the reverse complement: TRPM6 is on the minus strand); deleting any 2 consecutive bases within chr9:74,816,694-74,816,697 gives the same sequence; the c. name uses the placement nearest the transcript's 3' end. VCF-style (leftmost placement, unchanged base first): chr9-74816693-GAT-G. GRCh37 (hg19) VCF-style: chr9-77431609-GAT-G.
Other names: c.1267_1268del, p.Ile423fs (NM_001177310.2, NM_001177311.2); short protein forms I423fs, I428fs.
Identifiers: ClinVar variation 2872707 (VCV002872707.3), dbSNP rs2490067666, ClinGen allele CA2739269295.

ClinVar aggregate classification (germline): Pathogenic (1 of 4 stars; one submission).

Submission:

Labcorp Genetics (formerly Invitae), Labcorp
Classification: Pathogenic. Last evaluated: 2024-11-05. Review status: criteria provided, single submitter. Criteria: Invitae Variant Classification Sherloc (09022015). Collection method: clinical testing. Allele origin: germline.
Comment: This sequence change creates a premature translational stop signal (p.Ile428Profs*4) in the TRPM6 gene. It is expected to result in an absent or disrupted protein product. Loss-of-function variants in TRPM6 are known to be pathogenic (PMID: 16107578). This variant is not present in population databases (gnomAD no frequency). This variant has not been reported in the literature in individuals affected with TRPM6-related conditions. For these reasons, this variant has been classified as Pathogenic.

Literature cited by the submitters: PubMed 16107578.